The following is an entry in ClinVar:

NM_014208.3(DSPP):c.52-1G>T

Genes: DMP1-AS1 (DMP1 and DSPP antisense RNA 1; minus strand), DSPP (dentin sialophosphoprotein; plus strand). Cytogenetic location: 4q22.1.
Variant type: single nucleotide variant.
Coding change: c.52-1G>T on transcript NM_014208.3 (MANE Select); the canonical splice acceptor site of the intron before coding-DNA position 52, G replaced by T.
Molecular consequence: splice acceptor variant.
Genome position (GRCh38, 1-based): chr4:87,612,104, G>T. VCF-style: chr4-87612104-G-T. GRCh37 (hg19) VCF-style: chr4-88533256-G-T.
Identifiers: ClinVar variation 4991006 (VCV004991006.1).

ClinVar aggregate classification (germline): Likely pathogenic (1 of 4 stars; one submission).

Conditions:
DSPP-related disorder. Also called: DSPP-related condition.

Submission:

PreventionGenetics, part of Exact Sciences
Classification: Likely pathogenic for DSPP-related condition. Last evaluated: 2026-07-02. Review status: criteria provided, single submitter. Criteria: ACMG Guidelines, 2015. Collection method: clinical testing. Allele origin: germline.
Comment: The DSPP c.52-1G>T variant is predicted to disrupt the AG splice acceptor site and interfere with normal splicing. To our knowledge, this variant has not been reported in the literature or in a large population database (gnomAD), indicating this variant is rare. Variants that disrupt the consensus splice acceptor site in DSPP are expected to be pathogenic. This variant is interpreted as likely pathogenic.